The following is an entry in ClinVar:

ClinVar aggregate classification (germline): Benign. Review status: criteria provided, multiple submitters, no conflicts (2 of 4 stars). 5 submissions from 5 submitters: Benign (5). Last evaluated 2026-05-13.

Allele frequency attached by ClinVar (database versions not stated): gnomAD exomes 0.00078 and 0.00231; 1000 Genomes Project 30x 0.01218; gnomAD 0.00917 and 0.00976; TOPMed 0.00975; ESP Exome Variant Server 0.01008; 1000 Genomes Project 0.01118; ExAC 0.00409.
gnomAD v4.1: 2,534 of 1,596,996 alleles (0.16%); highest among the groups gnomAD compares: African/African-American, 3.1%; 33 homozygotes.

Submissions (5):

Women's Health and Genetics/Laboratory Corporation of America, LabCorp
Classification: Benign. Last evaluated: 2026-05-13. Review status: criteria provided, single submitter. Criteria: LabCorp Variant Classification Summary - May 2015. Collection method: clinical testing. Allele origin: germline.

Labcorp Genetics (formerly Invitae), Labcorp
Classification: Benign. Last evaluated: 2026-01-28. Review status: criteria provided, single submitter. Criteria: Invitae Variant Classification Sherloc (09022015). Collection method: clinical testing. Allele origin: germline.

ARUP Laboratories, Molecular Genetics and Genomics, ARUP Laboratories
Classification: Benign. Last evaluated: 2025-04-10. Review status: criteria provided, single submitter. Criteria: ARUP Molecular Germline Variant Investigation Process 2024. Collection method: clinical testing. Allele origin: germline.

GeneDx
Classification: Benign. Last evaluated: 2017-10-20. Review status: criteria provided, single submitter. Criteria: GeneDx Variant Classification (06012015). Collection method: clinical testing. Allele origin: germline. Affected: yes.
Comment: This variant is considered likely benign or benign based on one or more of the following criteria: it is a conservative change, it occurs at a poorly conserved position in the protein, it is predicted to be benign by multiple in silico algorithms, and/or has population frequency not consistent with disease.

Breakthrough Genomics
Classification: Benign. Review status: criteria provided, single submitter. Criteria: ACMG Guidelines, 2015. Collection method: not provided. Allele origin: germline. Inheritance: Autosomal recessive inheritance. Affected: yes.

NM_001854.4(COL11A1):c.3169-16T>C

Gene: COL11A1 (collagen type XI alpha 1 chain; minus strand). Cytogenetic location: 1p21.1.
Variant type: single nucleotide variant.
Coding change: c.3169-16T>C on transcript NM_001854.4 (MANE Select); 16 bases into the intron before coding-DNA position 3169, T replaced by C.
Molecular consequence: intron variant.
Genome position (GRCh38, 1-based): chr1:102,946,972, A>G on the plus strand (T>C on the coding strand, the complement: COL11A1 is on the minus strand). VCF-style: chr1-102946972-A-G. GRCh37 (hg19) VCF-style: chr1-103412528-A-G.
Other names: c.3052-16T>C (NM_001190709.2); c.3205-16T>C (NM_080629.3); c.2821-16T>C (NM_080630.4).
Identifiers: ClinVar variation 506435 (VCV000506435.13), dbSNP rs76379510, ClinGen allele CA974107.
Genomic context (GRCh38, chr1:102,946,972, plus strand): 5'-AATTGGGCCAGCTGTACCTGCTGACCCACGTTCTCCTGGTGAGCCCTAGTATACAGGAAA[A>G]GAAGTATTTTGTTATTAAAGAAAGTAATACTGGCTTAAGAATCACTTATTTAACAATAGC-3'